The following is an entry in ClinVar:

NM_203447.4(DOCK8):c.5729A>G (p.His1910Arg)

Gene: DOCK8 (dedicator of cytokinesis 8; plus strand). Cytogenetic location: 9p24.3.
Variant type: single nucleotide variant.
Coding change: c.5729A>G on transcript NM_203447.4 (MANE Select); coding-DNA position 5729, A replaced by G.
Protein change: p.His1910Arg; replaces histidine 1910 with arginine.
Molecular consequence: missense variant.
Genome position (GRCh38, 1-based): chr9:446,518, A>G. VCF-style: chr9-446518-A-G. GRCh37 (hg19) VCF-style: chr9-446518-A-G.
Other names: c.5429A>G, p.His1810Arg (NM_001190458.2); c.5525A>G, p.His1842Arg (NM_001193536.2); short protein forms H1810R, H1842R, H1910R.
Identifiers: ClinVar variation 847661 (VCV000847661.13), dbSNP rs1457365157, ClinGen allele CA372769084.

ClinVar aggregate classification (germline): Uncertain significance. Review status: criteria provided, multiple submitters, no conflicts (2 of 4 stars). 2 submissions from 2 submitters: Uncertain significance (2). Last evaluated 2025-04-15.

Conditions:
Inborn genetic diseases. Identifiers: MedGen C0950123, MeSH D030342.
Combined immunodeficiency due to DOCK8 deficiency (HIES2). Also called: HIES autosomal recessive; DOCK8 Deficiency; HYPER-IgE RECURRENT INFECTION SYNDROME 2, AUTOSOMAL RECESSIVE; HYPER-IgE SYNDROME 2, AUTOSOMAL RECESSIVE, WITH RECURRENT INFECTIONS; Hyper-IgE recurrent infection syndrome, autosomal recessive. Identifiers: Orphanet 217390, MedGen C4722305, MONDO:0009478, OMIM 243700.

Allele frequency attached by ClinVar (database versions not stated): gnomAD exomes below 0.00001; TOPMed 0.00001; gnomAD 0.00003.
gnomAD v4.1: 12 of 1,614,110 alleles (0.00074%); highest among the groups gnomAD compares: African/African-American, 0.0027%; no homozygotes.

Submissions (2):

Ambry Genetics
Classification: Uncertain significance for Inborn genetic diseases. Last evaluated: 2025-04-15. Review status: criteria provided, single submitter. Criteria: Ambry Variant Classification Scheme 2023. Collection method: clinical testing. Allele origin: germline.

Labcorp Genetics (formerly Invitae), Labcorp
Classification: Uncertain significance for Combined immunodeficiency due to DOCK8 deficiency. Last evaluated: 2022-07-19. Review status: criteria provided, single submitter. Criteria: Invitae Variant Classification Sherloc (09022015). Collection method: clinical testing. Allele origin: germline.
Comment: This sequence change replaces histidine, which is basic and polar, with arginine, which is basic and polar, at codon 1910 of the DOCK8 protein (p.His1910Arg). This variant is present in population databases (no rsID available, gnomAD 0.004%). This variant has not been reported in the literature in individuals affected with DOCK8-related conditions. ClinVar contains an entry for this variant (Variation ID: 847661). Algorithms developed to predict the effect of missense changes on protein structure and function (SIFT, PolyPhen-2, Align-GVGD) all suggest that this variant is likely to be tolerated. Algorithms developed to predict the effect of sequence changes on RNA splicing suggest that this variant may create or strengthen a splice site. In summary, the available evidence is currently insufficient to determine the role of this variant in disease. Therefore, it has been classified as a Variant of Uncertain Significance.